The following is an entry in ClinVar:

ClinVar aggregate classification (germline): Likely benign (0 of 4 stars; one submission).

Conditions:
TMEM94-related disorder. Also called: TMEM94-related condition.

Allele frequency attached by ClinVar (database versions not stated): gnomAD 0.00011; ExAC 0.00012; ESP Exome Variant Server 0.00015; gnomAD exomes 0.00017.
gnomAD v4.1: 266 of 1,613,950 alleles (0.016%); highest among the groups gnomAD compares: Non-Finnish European, 0.021%; no homozygotes.

Submission:

PreventionGenetics, part of Exact Sciences
Classification: Likely benign for TMEM94-related condition. Last evaluated: 2019-03-28. Review status: no assertion criteria provided. Collection method: clinical testing. Allele origin: germline.
Comment: This variant is classified as likely benign based on ACMG/AMP sequence variant interpretation guidelines (Richards et al. 2015 PMID: 25741868, with internal and published modifications).

NM_014738.6(TMEM94):c.3366C>T (p.Thr1122=)

Gene: TMEM94 (transmembrane protein 94; plus strand). Cytogenetic location: 17q25.1.
Variant type: single nucleotide variant.
Coding change: c.3366C>T on transcript NM_014738.6 (MANE Select); coding-DNA position 3366, C replaced by T.
Protein change: p.Thr1122=; no amino-acid change (threonine 1122 retained).
Molecular consequence: synonymous variant.
Genome position (GRCh38, 1-based): chr17:75,497,157, C>T. VCF-style: chr17-75497157-C-T. GRCh37 (hg19) VCF-style: chr17-73493238-C-T.
Other names: c.3396C>T, p.Thr1132= (NM_001321148.2); c.3378C>T, p.Thr1126= (NM_001321149.2); c.3318C>T, p.Thr1106= (NM_001351202.2); c.3393C>T, p.Thr1131= (NM_001351203.2).
Identifiers: ClinVar variation 3046810 (VCV003046810.2), dbSNP rs374000184, ClinGen allele CA8762479.